The following is an entry in ClinVar:

ClinVar aggregate classification (germline): Pathogenic (1 of 4 stars; one submission).

Conditions:
Infantile-onset ascending hereditary spastic paralysis (IAHSP). Also called: Autosomal Recessive Juvenile Amyotrophic Lateral Sclerosis; Infantile-Onset Ascending Hereditary Spastic Paralysis (IAHSP). Identifiers: Orphanet 293168, MedGen C2931441, MONDO:0011797, OMIM 607225. Disease mechanism: loss of function.

Submission:

Labcorp Genetics (formerly Invitae), Labcorp
Classification: Pathogenic for Infantile-onset ascending hereditary spastic paralysis. Last evaluated: 2022-06-16. Review status: criteria provided, single submitter. Criteria: Invitae Variant Classification Sherloc (09022015). Collection method: clinical testing. Allele origin: germline.
Comment: For these reasons, this variant has been classified as Pathogenic. This sequence change creates a premature translational stop signal (p.Gly326Glufs*32) in the ALS2 gene. It is expected to result in an absent or disrupted protein product. Loss-of-function variants in ALS2 are known to be pathogenic (PMID: 11586298, 24315819). This variant is not present in population databases (gnomAD no frequency). This variant has not been reported in the literature in individuals affected with ALS2-related conditions.

Literature cited by the submitters: PubMed 11586298; PubMed 24315819.

NM_020919.4(ALS2):c.977del (p.Gly326fs)

Gene: ALS2 (alsin Rho guanine nucleotide exchange factor ALS2; minus strand). Cytogenetic location: 2q33.1.
Variant type: Deletion.
Coding change: c.977del on transcript NM_020919.4 (MANE Select); coding-DNA position 977, one base deleted (G; older notation c.977delG).
Protein change: p.Gly326fs; shifts the reading frame from glycine 326.
Molecular consequence: frameshift variant.
Genome position (GRCh38, 1-based): chr2:201,761,017, C deleted on the plus strand (G on the coding strand, the reverse complement: ALS2 is on the minus strand); the first of 3 consecutive C bases (chr2:201,761,017-201,761,019); deleting any one gives the same sequence. VCF-style (leftmost placement, unchanged base first): chr2-201761016-TC-T. GRCh37 (hg19) VCF-style: chr2-202625739-TC-T.
Other names: c.977del, p.Gly326fs (NM_001135745.2); c.975delG, p.Gly326Glufs (NM_001410975.1); short protein forms G326fs.
Identifiers: ClinVar variation 2007382 (VCV002007382.4), dbSNP rs2469913984, ClinGen allele CA2580065444.
Genomic context (GRCh38, chr2:201,761,016, plus strand): 5'-ATTGACTGCTTGGGTGTCAGGGTATGATGGTATGTTTCTGGCAGAGGAAATTTCAGTTGT[TC>T]CCATGACATTTTGTTGAGAGGACATGGCATCGCTGCTTGTGATCTGAGCACTTACTGCAT-3'